The following is an entry in ClinVar:

ClinVar aggregate classification (germline): Uncertain significance (1 of 4 stars; one submission).

Conditions:
ALG1-congenital disorder of glycosylation. Also called: ALG1-CDG; CDG Ik; CONGENITAL DISORDER OF GLYCOSYLATION, TYPE Ik. Identifiers: Orphanet 79327, MedGen C2931005, MONDO:0012052, OMIM 608540.

Submission:

Labcorp Genetics (formerly Invitae), Labcorp
Classification: Uncertain significance for ALG1-congenital disorder of glycosylation. Last evaluated: 2022-06-08. Review status: criteria provided, single submitter. Criteria: Invitae Variant Classification Sherloc (09022015). Collection method: clinical testing. Allele origin: germline.
Comment: In summary, the available evidence is currently insufficient to determine the role of this variant in disease. Therefore, it has been classified as a Variant of Uncertain Significance. Advanced modeling of protein sequence and biophysical properties (such as structural, functional, and spatial information, amino acid conservation, physicochemical variation, residue mobility, and thermodynamic stability) performed at Invitae indicates that this missense variant is expected to disrupt ALG1 protein function. This variant has not been reported in the literature in individuals affected with ALG1-related conditions. This variant is not present in population databases (gnomAD no frequency). This sequence change replaces alanine, which is neutral and non-polar, with glycine, which is neutral and non-polar, at codon 417 of the ALG1 protein (p.Ala417Gly).

NM_019109.5(ALG1):c.1250C>G (p.Ala417Gly)

Gene: ALG1 (ALG1 chitobiosyldiphosphodolichol beta-mannosyltransferase; plus strand). Cytogenetic location: 16p13.3.
Variant type: single nucleotide variant.
Coding change: c.1250C>G on transcript NM_019109.5 (MANE Select); coding-DNA position 1250, C replaced by G.
Protein change: p.Ala417Gly; replaces alanine 417 with glycine.
Molecular consequence: missense variant.
Genome position (GRCh38, 1-based): chr16:5,083,744, C>G. VCF-style: chr16-5083744-C-G. GRCh37 (hg19) VCF-style: chr16-5133745-C-G.
Other names: c.917C>G, p.Ala306Gly (NM_001330504.2); short protein forms A417G, A306G.
Identifiers: ClinVar variation 2002823 (VCV002002823.4), dbSNP rs776476379, ClinGen allele CA394674746.